The following is an entry in ClinVar:

ClinVar aggregate classification (germline): Likely pathogenic. Review status: criteria provided, multiple submitters, no conflicts (2 of 4 stars). 2 submissions from 2 submitters: Likely pathogenic (2). Last evaluated 2025-12-03.

Conditions:
PMM2-congenital disorder of glycosylation. Also called: PMM2-CDG; CARBOHYDRATE-DEFICIENT GLYCOPROTEIN SYNDROME, TYPE Ia; PHOSPHOMANNOMUTASE 2 DEFICIENCY; CDG Ia; JAEKEN SYNDROME; Congenital disorder of glycosylation, type Ia. Identifiers: Orphanet 79318, MedGen C0349653, MONDO:0008907, OMIM 212065.

Submissions (2):

Labcorp Genetics (formerly Invitae), Labcorp
Classification: Likely pathogenic for PMM2-congenital disorder of glycosylation. Last evaluated: 2025-12-03. Review status: criteria provided, single submitter. Criteria: Invitae Variant Classification Sherloc (09022015). Collection method: clinical testing. Allele origin: germline.
Comment: This sequence change replaces aspartic acid, which is acidic and polar, with tyrosine, which is neutral and polar, at codon 188 of the PMM2 protein (p.Asp188Tyr). This variant is not present in population databases (gnomAD no frequency). This variant has not been reported in the literature in individuals affected with PMM2-related conditions. ClinVar contains an entry for this variant (Variation ID: 1496401). Invitae Evidence Modeling of protein sequence and biophysical properties (such as structural, functional, and spatial information, amino acid conservation, physicochemical variation, residue mobility, and thermodynamic stability) indicates that this missense variant is expected to disrupt PMM2 protein function with a positive predictive value of 95%. This variant disrupts the p.Asp188 amino acid residue in PMM2. Other variant(s) that disrupt this residue have been determined to be pathogenic (PMID: 9497260, 10386614, 24139637). This suggests that this residue is clinically significant, and that variants that disrupt this residue are likely to be disease-causing. In summary, the currently available evidence indicates that the variant is pathogenic, but additional data are needed to prove that conclusively. Therefore, this variant has been classified as Likely Pathogenic.

Fulgent Genetics
Classification: Likely pathogenic for PMM2-congenital disorder of glycosylation. Last evaluated: 2024-02-29. Review status: criteria provided, single submitter. Criteria: ACMG Guidelines, 2015. Collection method: clinical testing. Allele origin: germline.

Literature cited by the submitters: PubMed 9497260 (cited by Labcorp Genetics (formerly Invitae), Labcorp); PubMed 10386614 (cited by Labcorp Genetics (formerly Invitae), Labcorp); PubMed 24139637 (cited by Labcorp Genetics (formerly Invitae), Labcorp).

NM_000303.3(PMM2):c.562G>T (p.Asp188Tyr)

Gene: PMM2 (phosphomannomutase 2; plus strand). Cytogenetic location: 16p13.2.
Variant type: single nucleotide variant.
Coding change: c.562G>T on transcript NM_000303.3 (MANE Select); coding-DNA position 562, G replaced by T.
Protein change: p.Asp188Tyr; replaces aspartic acid 188 with tyrosine.
Molecular consequence: missense variant.
Genome position (GRCh38, 1-based): chr16:8,813,029, G>T. VCF-style: chr16-8813029-G-T. GRCh37 (hg19) VCF-style: chr16-8906886-G-T.
Other names: short protein forms D188Y.
Identifiers: ClinVar variation 1496401 (VCV001496401.7), dbSNP rs2141024241, ClinGen allele CA394697803.